The following is an entry in ClinVar:

ClinVar aggregate classification (germline): Likely benign (0 of 4 stars; one submission).

Conditions:
IFT140-related disorder. Also called: IFT140-related condition.

Submission:

PreventionGenetics, part of Exact Sciences
Classification: Likely benign for IFT140-related condition. Last evaluated: 2024-01-19. Review status: no assertion criteria provided. Collection method: clinical testing. Allele origin: germline.
Comment: This variant is classified as likely benign based on ACMG/AMP sequence variant interpretation guidelines (Richards et al. 2015 PMID: 25741868, with internal and published modifications).

NM_014714.4(IFT140):c.4182+2596G>A

Gene: IFT140 (intraflagellar transport 140; minus strand). Cytogenetic location: 16p13.3.
Variant type: single nucleotide variant.
Coding change: c.4182+2596G>A on transcript NM_014714.4 (MANE Select); 2596 bases into the intron after coding-DNA position 4182, G replaced by A.
Molecular consequence: intron variant.
Genome position (GRCh38, 1-based): chr16:1,515,620, C>T on the plus strand (G>A on the coding strand, the complement: IFT140 is on the minus strand). VCF-style: chr16-1515620-C-T. GRCh37 (hg19) VCF-style: chr16-1565621-C-T.
Identifiers: ClinVar variation 3033300 (VCV003033300.2), dbSNP rs2506047116, ClinGen allele CA2740096825.
Genomic context (GRCh38, chr16:1,515,620, plus strand): 5'-CCATGCCTTGCTATTTTTTTCAGAGATGGGGTCTCACTTGTTACCCAGGCTGGACTTGAA[C>T]TCCTGGCCTCAAGAAATCCTCCCACCTTGGCCTCCCAAAGTGCTGAGATTACAGGCATGA-3'